The following is an entry in ClinVar:

NM_000041.4(APOE):c.14G>A (p.Trp5Ter)

Gene: APOE (apolipoprotein E; plus strand). Cytogenetic location: 19q13.32.
Variant type: single nucleotide variant.
Coding change: c.14G>A on transcript NM_000041.4 (MANE Select); coding-DNA position 14, G replaced by A.
Protein change: p.Trp5Ter; replaces tryptophan 5 with a stop codon.
Molecular consequence: nonsense.
Genome position (GRCh38, 1-based): chr19:44,906,638, G>A. VCF-style: chr19-44906638-G-A. GRCh37 (hg19) VCF-style: chr19-45409895-G-A.
Other names: c.92G>A, p.Trp31Ter (NM_001302688.2); c.14G>A, p.Trp5Ter (NM_001302689.2, NM_001302690.2, NM_001302691.2); short protein forms W31*, W5*.
Identifiers: ClinVar variation 5006005 (VCV005006005.2).

ClinVar aggregate classification (germline): Likely pathogenic (1 of 4 stars; one submission).

Conditions:
Familial type 3 hyperlipoproteinemia. Also called: Hyperlipoproteinemia type 3; Hyperlipoproteinemia type III; Dysbetalipoproteinemia; Familial dysbetalipoproteinemia; Broad beta disease; Remnant removal disease. Identifiers: Orphanet 412, MedGen C0020479, MONDO:0018473, OMIM 617347.
Sea-blue histiocyte syndrome. Also called: Sea-blue histiocytosis; SEA-BLUE HISTIOCYTE DISEASE. Identifiers: Orphanet 158029, MedGen C0036489, MONDO:0010017, OMIM 269600, HP:0001982.
Age related macular degeneration 1 (ARMD1). Also called: MACULOPATHY, AGE-RELATED, 1. Identifiers: MedGen C1864205, MONDO:0011285, OMIM 603075.
Alzheimer disease 2 (AD2). Also called: ALZHEIMER DISEASE ASSOCIATED WITH APOE4; ALZHEIMER DISEASE 2, LATE-ONSET. Identifiers: Orphanet 1020, MedGen C1863051, MONDO:0007089, OMIM 104310.
Lipoprotein glomerulopathy (LPG). Identifiers: Orphanet 329481, MedGen C2673196, MONDO:0012725, OMIM 611771.
Alzheimer disease 3 (AD3). Also called: ALZHEIMER DISEASE, FAMILIAL, 3. Identifiers: Orphanet 1020, MedGen C1843013, MONDO:0011913, OMIM 607822.

Submission:

Juno Genomics, Hangzhou Juno Genomics, Inc
Classification: Likely pathogenic for Alzheimer disease 3; Age related macular degeneration 1; Familial type 3 hyperlipoproteinemia; Alzheimer disease 2; Lipoprotein glomerulopathy; Sea-blue histiocyte syndrome. Review status: criteria provided, single submitter. Criteria: ACMG Guidelines, 2015. Collection method: clinical testing. Allele origin: germline.
Comment: Null variant in a gene where loss of function (LOF) is a known mechanism of disease.;Absent from controls (or at extremely low frequency if recessive) in Genome Aggregation Database.